The following is an entry in ClinVar:

ClinVar aggregate classification (germline): Likely pathogenic. Review status: criteria provided, multiple submitters, no conflicts (2 of 4 stars). 2 submissions from 2 submitters: Likely pathogenic (2). Last evaluated 2024-05-17.

Submissions (2):

Labcorp Genetics (formerly Invitae), Labcorp
Classification: Likely pathogenic. Last evaluated: 2024-05-17. Review status: criteria provided, single submitter. Criteria: Invitae Variant Classification Sherloc (09022015). Collection method: clinical testing. Allele origin: germline.
Comment: This sequence change affects an acceptor splice site in intron 3 of the CTSK gene. It is expected to disrupt RNA splicing. Variants that disrupt the donor or acceptor splice site typically lead to a loss of protein function (PMID: 16199547), and loss-of-function variants in CTSK are known to be pathogenic (PMID: 12125807, 21569238). This variant is not present in population databases (gnomAD no frequency). This variant has not been reported in the literature in individuals affected with CTSK-related conditions. Algorithms developed to predict the effect of sequence changes on RNA splicing suggest that this variant may disrupt the consensus splice site. In summary, the currently available evidence indicates that the variant is pathogenic, but additional data are needed to prove that conclusively. Therefore, this variant has been classified as Likely Pathogenic.

Mayo Clinic Laboratories, Mayo Clinic
Classification: Likely pathogenic. Last evaluated: 2023-07-06. Review status: criteria provided, single submitter. Criteria: ACMG Guidelines, 2015. Collection method: clinical testing. Allele origin: germline. Observed: 1 variant allele.
Comment: PM2_moderate, PVS1_strong

Literature cited by the submitters: PubMed 16199547 (cited by Labcorp Genetics (formerly Invitae), Labcorp); PubMed 12125807 (cited by Labcorp Genetics (formerly Invitae), Labcorp); PubMed 21569238 (cited by Labcorp Genetics (formerly Invitae), Labcorp).

NM_000396.4(CTSK):c.244-2A>C

Gene: CTSK (cathepsin K; minus strand). Cytogenetic location: 1q21.3.
Variant type: single nucleotide variant.
Coding change: c.244-2A>C on transcript NM_000396.4 (MANE Select); the canonical splice acceptor site of the intron before coding-DNA position 244, A replaced by C.
Molecular consequence: splice acceptor variant.
Genome position (GRCh38, 1-based): chr1:150,806,018, T>G on the plus strand (A>C on the coding strand, the complement: CTSK is on the minus strand). VCF-style: chr1-150806018-T-G. GRCh37 (hg19) VCF-style: chr1-150778494-T-G.
Identifiers: ClinVar variation 2748876 (VCV002748876.4), dbSNP rs112299095, ClinGen allele CA342337168.